The following is an entry in ClinVar:

NM_014714.4(IFT140):c.2773G>A (p.Glu925Lys)

Genes: IFT140 (intraflagellar transport 140; minus strand), LOC126862260 (CDK7 strongly-dependent group 2 enhancer GRCh37_chr16:1574508-1575707; plus strand). Cytogenetic location: 16p13.3.
Variant type: single nucleotide variant.
Coding change: c.2773G>A on transcript NM_014714.4 (MANE Select); coding-DNA position 2773, G replaced by A.
Protein change: p.Glu925Lys; replaces glutamic acid 925 with lysine.
Molecular consequence: missense variant.
Genome position (GRCh38, 1-based): chr16:1,525,322, C>T on the plus strand (G>A on the coding strand, the complement: IFT140 is on the minus strand). VCF-style: chr16-1525322-C-T. GRCh37 (hg19) VCF-style: chr16-1575323-C-T.
Other names: short protein forms E925K.
Identifiers: ClinVar variation 597113 (VCV000597113.12), dbSNP rs368922367, ClinGen allele CA7813483.

ClinVar aggregate classification (germline): Uncertain significance. Review status: criteria provided, multiple submitters, no conflicts (2 of 4 stars). 4 submissions from 4 submitters: Uncertain significance (4). Last evaluated 2024-11-06.

Conditions:
Saldino-Mainzer syndrome (SRTD9). Also called: Renal dysplasia, retinal pigmentary dystrophy, cerebellar ataxia and skeletal dysplasia; SHORT-RIB THORACIC DYSPLASIA 9 WITHOUT POLYDACTYLY; short-rib thoracic dysplasia 9 with or without polydactyly; CONORENAL SYNDROME. Identifiers: Orphanet 140969, MedGen C1849437, MONDO:0009964, OMIM 266920.
Inborn genetic diseases. Identifiers: MedGen C0950123, MeSH D030342.

Allele frequency attached by ClinVar (database versions not stated): gnomAD exomes 0.00006 and 0.00008; gnomAD 0.00007; TOPMed 0.00007; ESP Exome Variant Server 0.00008; ExAC 0.00009.
gnomAD v4.1: 125 of 1,611,082 alleles (0.0078%); highest among the groups gnomAD compares: Non-Finnish European, 0.0096%; no homozygotes.

Submissions (4):

Blueprint Genetics
Classification: Uncertain significance. Last evaluated: 2024-11-06. Review status: criteria provided, single submitter. Criteria: ACMG Guidelines, 2015. Collection method: clinical testing. Allele origin: germline.

Labcorp Genetics (formerly Invitae), Labcorp
Classification: Uncertain significance for Saldino-Mainzer syndrome. Last evaluated: 2022-09-27. Review status: criteria provided, single submitter. Criteria: Invitae Variant Classification Sherloc (09022015). Collection method: clinical testing. Allele origin: germline.
Comment: This sequence change replaces glutamic acid, which is acidic and polar, with lysine, which is basic and polar, at codon 925 of the IFT140 protein (p.Glu925Lys). This variant is present in population databases (rs368922367, gnomAD 0.01%). This variant has not been reported in the literature in individuals affected with IFT140-related conditions. ClinVar contains an entry for this variant (Variation ID: 597113). Advanced modeling of protein sequence and biophysical properties (such as structural, functional, and spatial information, amino acid conservation, physicochemical variation, residue mobility, and thermodynamic stability) has been performed at Invitae for this missense variant, however the output from this modeling did not meet the statistical confidence thresholds required to predict the impact of this variant on IFT140 protein function. In summary, the available evidence is currently insufficient to determine the role of this variant in disease. Therefore, it has been classified as a Variant of Uncertain Significance.

Ambry Genetics
Classification: Uncertain significance for Inborn genetic diseases. Last evaluated: 2022-08-01. Review status: criteria provided, single submitter. Criteria: Ambry Variant Classification Scheme 2023. Collection method: clinical testing. Allele origin: germline.

Eurofins Ntd Llc (ga)
Classification: Uncertain significance. Last evaluated: 2018-05-18. Review status: criteria provided, single submitter. Criteria: EGL ClinVar v180209 classification definitions. Collection method: clinical testing. Allele origin: germline. Observed: 1 variant allele, 1 heterozygote.